The following is an entry in ClinVar:

NM_152564.5(VPS13B):c.3375T>G (p.Ser1125Arg)

Gene: VPS13B (vacuolar protein sorting 13 homolog B; plus strand). Cytogenetic location: 8q22.2.
Variant type: single nucleotide variant.
Coding change: c.3375T>G on transcript NM_152564.5 (MANE Select); coding-DNA position 3375, T replaced by G.
Protein change: p.Ser1125Arg; replaces serine 1125 with arginine.
Molecular consequence: missense variant.
Genome position (GRCh38, 1-based): chr8:99,442,565, T>G. VCF-style: chr8-99442565-T-G. GRCh37 (hg19) VCF-style: chr8-100454793-T-G.
Other names: c.3375T>G, p.Ser1125Arg (NM_017890.5); short protein forms S1125R.
Identifiers: ClinVar variation 2817338 (VCV002817338.3), dbSNP rs2490163079, ClinGen allele CA371871004.

ClinVar aggregate classification (germline): Uncertain significance (1 of 4 stars; one submission).

Conditions:
Cohen syndrome (COH1). Also called: PEPPER SYNDROME; Cutis verticis gyrata, retinitis pigmentosa, and sensorineural deafness. Identifiers: Orphanet 193, MedGen C0265223, MONDO:0008999, OMIM 216550.

Allele frequency attached by ClinVar (database versions not stated): gnomAD exomes below 0.00001.
gnomAD v4.1: 1 of 1,613,980 alleles (0.000062%); highest among the groups gnomAD compares: Non-Finnish European, 0.000085%; no homozygotes.

Submission:

Labcorp Genetics (formerly Invitae), Labcorp
Classification: Uncertain significance for Cohen syndrome. Last evaluated: 2022-11-29. Review status: criteria provided, single submitter. Criteria: Invitae Variant Classification Sherloc (09022015). Collection method: clinical testing. Allele origin: germline.
Comment: This sequence change replaces serine, which is neutral and polar, with arginine, which is basic and polar, at codon 1125 of the VPS13B protein (p.Ser1125Arg). This variant is not present in population databases (gnomAD no frequency). This variant has not been reported in the literature in individuals affected with VPS13B-related conditions. Advanced modeling of protein sequence and biophysical properties (such as structural, functional, and spatial information, amino acid conservation, physicochemical variation, residue mobility, and thermodynamic stability) performed at Invitae indicates that this missense variant is expected to disrupt VPS13B protein function. In summary, the available evidence is currently insufficient to determine the role of this variant in disease. Therefore, it has been classified as a Variant of Uncertain Significance.